The following is an entry in ClinVar:

NM_000032.5(ALAS2):c.17T>C (p.Met6Thr)

Genes: ALAS2 (5'-aminolevulinate synthase 2; minus strand), LOC108663984 (ALAS2 intron 1 and 3 erythroid regulatory elements; plus strand). Cytogenetic location: Xp11.21.
Variant type: single nucleotide variant.
Coding change: c.17T>C on transcript NM_000032.5 (MANE Select); coding-DNA position 17, T replaced by C.
Protein change: p.Met6Thr; replaces methionine 6 with threonine.
Molecular consequence: missense variant.
Genome position (GRCh38, 1-based): chrX:55,025,984, A>G on the plus strand (T>C on the coding strand, the complement: ALAS2 is on the minus strand). VCF-style: chrX-55025984-A-G. GRCh37 (hg19) VCF-style: chrX-55052417-A-G.
Other names: c.17T>C, p.Met6Thr (NM_001037967.4); c.89T>C, p.Met30Thr (NM_001037968.4); short protein forms M6T, M30T.
Identifiers: ClinVar variation 3696435 (VCV003696435.2).

ClinVar aggregate classification (germline): Uncertain significance (1 of 4 stars; one submission).

Submission:

Labcorp Genetics (formerly Invitae), Labcorp
Classification: Uncertain significance. Last evaluated: 2025-03-17. Review status: criteria provided, single submitter. Criteria: Invitae Variant Classification Sherloc (09022015). Collection method: clinical testing. Allele origin: germline.
Comment: This sequence change replaces methionine, which is neutral and non-polar, with threonine, which is neutral and polar, at codon 6 of the ALAS2 protein (p.Met6Thr). This variant is not present in population databases (gnomAD no frequency). This variant has not been reported in the literature in individuals affected with ALAS2-related conditions. Invitae Evidence Modeling of protein sequence and biophysical properties (such as structural, functional, and spatial information, amino acid conservation, physicochemical variation, residue mobility, and thermodynamic stability) indicates that this missense variant is not expected to disrupt ALAS2 protein function with a negative predictive value of 95%. In summary, the available evidence is currently insufficient to determine the role of this variant in disease. Therefore, it has been classified as a Variant of Uncertain Significance.